The following is an entry in ClinVar:

ClinVar aggregate classification (germline): Uncertain significance (1 of 4 stars; one submission).

Submission:

GeneDx
Classification: Uncertain significance. Last evaluated: 2024-01-21. Review status: criteria provided, single submitter. Criteria: GeneDx Variant Classification Process June 2021. Collection method: clinical testing. Allele origin: germline. Affected: yes.
Comment: Not observed at significant frequency in large population cohorts (gnomAD); In-frame deletion of 1 amino acid in a non-repeat region; In silico analysis supports a deleterious effect on protein structure/function; In silico analysis is inconclusive as to whether the variant alters gene splicing. In the absence of RNA/functional studies, the actual effect of this sequence change is unknown.; Has not been previously published as pathogenic or benign to our knowledge

NM_001369.3(DNAH5):c.5528AAG[1] (p.Glu1844del)

Gene: DNAH5 (dynein axonemal heavy chain 5; minus strand). Cytogenetic location: 5p15.2.
Variant type: Microsatellite.
Coding change: c.5528AAG[1] on transcript NM_001369.3 (MANE Select); one copy of the 3-base unit AAG starting at c.5528; the reference has two copies in a row; one copy, 3 bases deleted.
Protein change: p.Glu1844del; deletes glutamic acid 1844.
Molecular consequence: inframe deletion.
Genome position (GRCh38, 1-based): chr5:13,841,082-13,841,084, CTT deleted on the plus strand (AAG on the coding strand, the reverse complement: DNAH5 is on the minus strand); deleting any 3 consecutive bases within chr5:13,841,082-13,841,089 gives the same sequence; the position shown is the placement nearest the transcript's 3' end. VCF-style (leftmost placement, unchanged base first): chr5-13841081-GCTT-G. GRCh37 (hg19) VCF-style: chr5-13841190-GCTT-G.
Other names: short protein forms E1844del.
Identifiers: ClinVar variation 3368199 (VCV003368199.1).